The following is an entry in ClinVar:

ClinVar aggregate classification (germline): Uncertain significance (1 of 4 stars; one submission).

Conditions:
Hypertrophic cardiomyopathy. Also called: HYPERTROPHIC MYOCARDIOPATHY. Identifiers: Orphanet 217569, MedGen C0007194, MeSH D002312, MONDO:0005045, HP:0001639.

Submission:

Labcorp Genetics (formerly Invitae), Labcorp
Classification: Uncertain significance for Hypertrophic cardiomyopathy. Last evaluated: 2025-12-22. Review status: criteria provided, single submitter. Criteria: Invitae Variant Classification Sherloc (09022015). Collection method: clinical testing. Allele origin: germline.
Comment: This sequence change replaces arginine, which is basic and polar, with serine, which is neutral and polar, at codon 807 of the MYH7 protein (p.Arg807Ser). This variant is not present in population databases (gnomAD no frequency). This variant has not been reported in the literature in individuals affected with MYH7-related conditions. Invitae Evidence Modeling of protein sequence and biophysical properties (such as structural, functional, and spatial information, amino acid conservation, physicochemical variation, residue mobility, and thermodynamic stability) indicates that this missense variant is expected to disrupt MYH7 protein function with a positive predictive value of 95%. Algorithms developed to predict the effect of sequence changes on RNA splicing suggest that this variant may create or strengthen a splice site. In summary, the available evidence is currently insufficient to determine the role of this variant in disease. Therefore, it has been classified as a Variant of Uncertain Significance.

NM_000257.4(MYH7):c.2419C>A (p.Arg807Ser)

Genes: MYH7 (myosin heavy chain 7; minus strand), LOC126861898 (BRD4-independent group 4 enhancer GRCh37_chr14:23893609-23894808; plus strand). Cytogenetic location: 14q11.2.
Variant type: single nucleotide variant.
Coding change: c.2419C>A on transcript NM_000257.4 (MANE Select); coding-DNA position 2419, C replaced by A.
Protein change: p.Arg807Ser; replaces arginine 807 with serine.
Molecular consequence: missense variant.
Genome position (GRCh38, 1-based): chr14:23,425,286, G>T on the plus strand (C>A on the coding strand, the complement: MYH7 is on the minus strand). VCF-style: chr14-23425286-G-T. GRCh37 (hg19) VCF-style: chr14-23894495-G-T.
Other names: c.2419C>A, p.Arg807Ser (NM_001407004.1); short protein forms R807S.
Identifiers: ClinVar variation 4801941 (VCV004801941.1).
Genomic context (GRCh38, chr14:23,425,286, plus strand): 5'-CCCTGAACCAGCCTGGGCCTCAGAGAAGCGGGAAACCTCCTCTTGAGATCTCTCACCTAC[G>T]TTCCAGCAGCTTTTTGTACTCCATTCTGGCGAGCACACCTCGGGACTGGGCCTGGATACG-3'
Protein context (NP_000248.2, residues 797-817): ARMEYKKLLE[Arg807Ser]RDSLLVIQWN